The following is an entry in ClinVar:

ClinVar aggregate classification (germline): Uncertain significance (1 of 4 stars; one submission).

gnomAD v4.1: 5 of 1,611,428 alleles (0.00031%); highest among the groups gnomAD compares: Admixed American, 0.0017%; no homozygotes.

Submissions (2):

Labcorp Genetics (formerly Invitae), Labcorp
Classification: Uncertain significance. Last evaluated: 2025-05-15. Review status: criteria provided, single submitter. Criteria: Invitae Variant Classification Sherloc (09022015). Collection method: clinical testing. Allele origin: germline.
Comment: This sequence change replaces serine, which is neutral and polar, with glycine, which is neutral and non-polar, at codon 618 of the SUCO protein (p.Ser618Gly). This variant is present in population databases (rs766394343, gnomAD 0.003%). This variant has not been reported in the literature in individuals affected with SUCO-related conditions. An algorithm developed to predict the effect of missense changes on protein structure and function (PolyPhen-2) suggests that this variant is likely to be tolerated. Algorithms developed to predict the effect of sequence changes on RNA splicing suggest that this variant may create or strengthen a splice site. In summary, the available evidence is currently insufficient to determine the role of this variant in disease. Therefore, it has been classified as a Variant of Uncertain Significance.

Dr. Peter K. Rogan Lab, Western University
No classification provided (evidence only). Condition: Clear cell carcinoma of kidney. Review status: no classification provided. Collection method: in vitro. Allele origin: not applicable. Functional consequence: retained intron. Not counted in ClinVar's aggregate classification.

NM_014283.5(SUCO):c.1852A>G (p.Ser618Gly)

Gene: SUCO (SUN domain containing ossification factor; plus strand). Cytogenetic location: 1q24.3.
Variant type: single nucleotide variant.
Coding change: c.1852A>G on transcript NM_014283.5 (MANE Select); coding-DNA position 1852, A replaced by G.
Protein change: p.Ser618Gly; replaces serine 618 with glycine.
Molecular consequence: missense variant. On other transcripts: intron variant (1).
Genome position (GRCh38, 1-based): chr1:172,588,953, A>G. VCF-style: chr1-172588953-A-G. GRCh37 (hg19) VCF-style: chr1-172558093-A-G.
Other names: NC_000001.10:g.172558093A>G; c.163A>G, p.Ser55Gly (NM_001282751.2); c.2305A>G, p.Ser769Gly (NM_016227.4); c.1712+29A>G (NM_001282750.2); short protein forms S55G, S618G, S769G.
Identifiers: ClinVar variation 4324147 (VCV004324147.2).